The following is an entry in ClinVar:

ClinVar aggregate classification (germline): Pathogenic (1 of 4 stars; one submission).

Allele frequency attached by ClinVar (database versions not stated): TOPMed below 0.00001; gnomAD 0.00001.

Submission:

Labcorp Genetics (formerly Invitae), Labcorp
Classification: Pathogenic. Last evaluated: 2024-01-18. Review status: criteria provided, single submitter. Criteria: Invitae Variant Classification Sherloc (09022015). Collection method: clinical testing. Allele origin: germline.
Comment: This sequence change creates a premature translational stop signal (p.Asn2039Alafs*115) in the TG gene. It is expected to result in an absent or disrupted protein product. Loss-of-function variants in TG are known to be pathogenic (PMID: 19837936, 23164529). This variant is not present in population databases (gnomAD no frequency). This variant has not been reported in the literature in individuals affected with TG-related conditions. For these reasons, this variant has been classified as Pathogenic.

Literature cited by the submitters: PubMed 19837936; PubMed 23164529.

NM_003235.5(TG):c.6114_6115insGC (p.Asn2039fs)

Gene: TG (thyroglobulin; plus strand). Cytogenetic location: 8q24.22.
Variant type: Insertion.
Coding change: c.6114_6115insGC on transcript NM_003235.5 (MANE Select); coding-DNA positions 6114 to 6115, GC inserted.
Protein change: p.Asn2039fs; shifts the reading frame from asparagine 2039.
Molecular consequence: frameshift variant.
Genome position: GRCh38 VCF-style: chr8-132972656-G-GGC. GRCh37 (hg19) VCF-style: chr8-133984901-G-GGC.
Other names: short protein forms N2039fs.
Identifiers: ClinVar variation 2710114 (VCV002710114.3), dbSNP rs1829698469, ClinGen allele CA1119390258.
Genomic context (GRCh38, chr8:132,972,656, plus strand): 5'-AGGAGGAGAGGTGACATGTCTCACTCTGAACAGCTTGGGAATTCAGATGTGCAGTGAGGA[G>GGC]AATGGAGGAGCCTGGCGCATTTTGGACTGTGGCTCTCCTGACATTGAAGTCCACACCTAT-3'